The following is an entry in ClinVar:

ClinVar aggregate classification (germline): Conflicting classifications of pathogenicity. Review status: criteria provided, conflicting classifications (1 of 4 stars). 5 submissions from 5 submitters: Uncertain significance (1); Benign (1); Likely benign (3). Last evaluated 2025-12-01.

Conditions:
Hereditary cancer-predisposing syndrome. Also called: Tumor predisposition; Hereditary Cancer Syndrome; Neoplastic Syndromes, Hereditary; Hereditary neoplastic syndrome. Identifiers: Orphanet 140162, MedGen C0027672, MeSH D009386, MONDO:0015356.
Hereditary diffuse gastric adenocarcinoma (HDGC). Also called: DIFFUSE GASTRIC AND LOBULAR BREAST CANCER SYNDROME. Identifiers: Orphanet 26106, MedGen C1708349, MONDO:0007648, OMIM 137215.

Allele frequency attached by ClinVar (database versions not stated): TOPMed below 0.00001; gnomAD 0.00001; gnomAD exomes 0.00001.

Submissions (5):

Labcorp Genetics (formerly Invitae), Labcorp
Classification: Likely benign for Hereditary diffuse gastric adenocarcinoma. Last evaluated: 2025-12-01. Review status: criteria provided, single submitter. Criteria: Invitae Variant Classification Sherloc (09022015). Collection method: clinical testing. Allele origin: germline.

Quest Diagnostics Nichols Institute San Juan Capistrano
Classification: Likely benign. Last evaluated: 2025-05-09. Review status: criteria provided, single submitter. Criteria: Quest Diagnostics criteria. Collection method: clinical testing. Allele origin: unknown.

Myriad Genetics, Inc.
Classification: Likely benign for Hereditary diffuse gastric adenocarcinoma. Last evaluated: 2024-09-11. Review status: criteria provided, single submitter. Criteria: Myriad Autosomal Dominant, Autosomal Recessive and X-Linked Classification Criteria (2023). Collection method: clinical testing. Allele origin: unknown.
Comment: This variant is considered likely benign. This variant is intronic and is not expected to impact mRNA splicing.

Color Diagnostics, LLC DBA Color Health
Classification: Uncertain significance for Hereditary cancer-predisposing syndrome. Last evaluated: 2018-11-15. Review status: criteria provided, single submitter. Criteria: ACMG Guidelines, 2015. Collection method: clinical testing. Allele origin: germline.

GeneDx
Classification: Benign. Last evaluated: 2015-05-01. Review status: criteria provided, single submitter. Criteria: GeneDx Variant Classification Process June 2021. Collection method: clinical testing. Allele origin: germline. Affected: yes.

NM_004360.5(CDH1):c.163+8C>T

Gene: CDH1 (cadherin 1; plus strand). Cytogenetic location: 16q22.1.
Variant type: single nucleotide variant.
Coding change: c.163+8C>T on transcript NM_004360.5 (MANE Select); 8 bases into the intron after coding-DNA position 163, C replaced by T.
Molecular consequence: intron variant.
Genome position (GRCh38, 1-based): chr16:68,738,419, C>T. VCF-style: chr16-68738419-C-T. GRCh37 (hg19) VCF-style: chr16-68772322-C-T.
Other names: c.163+8C>T (LRG_301t1, NM_001317184.2); c.-1453+8C>T (NM_001317185.2); c.-1657+8C>T (NM_001317186.2).
Identifiers: ClinVar variation 215832 (VCV000215832.18), dbSNP rs863224396, ClinGen allele CA339509.